The following is an entry in ClinVar:

NM_000441.2(SLC26A4):c.1708-1G>A

Gene: SLC26A4 (solute carrier family 26 member 4; plus strand). Cytogenetic location: 7q22.3.
Variant type: single nucleotide variant.
Coding change: c.1708-1G>A on transcript NM_000441.2 (MANE Select); the canonical splice acceptor site of the intron before coding-DNA position 1708, G replaced by A.
Molecular consequence: splice acceptor variant.
Genome position (GRCh38, 1-based): chr7:107,701,100, G>A. VCF-style: chr7-107701100-G-A. GRCh37 (hg19) VCF-style: chr7-107341545-G-A.
Other names: c.1708-1G>A (NM_000441.1).
Identifiers: ClinVar variation 591061 (VCV000591061.14), dbSNP rs759414956, ClinGen allele CA368842814.

ClinVar aggregate classification (germline): Pathogenic/Likely pathogenic. Review status: criteria provided, multiple submitters, no conflicts (2 of 4 stars). 5 submissions from 5 submitters: Pathogenic (1); Likely pathogenic (3). 1 of the submissions does not count toward it. Last evaluated 2025-05-29.

Conditions:
SLC26A4-related disorder. Also called: SLC26A4-related condition; SLC26A4-related disorders.
Pendred syndrome (PDS). Also called: Pendred's syndrome; DEAFNESS WITH GOITER; GOITER-DEAFNESS SYNDROME; HYPOTHYROIDISM, CONGENITAL, DUE TO DYSHORMONOGENESIS, 2B; Pendred Syndrome (PDS); THYROID DYSHORMONOGENESIS 2B. Identifiers: Orphanet 705, MedGen C0271829, MONDO:0010134, OMIM 274600.
Autosomal recessive nonsyndromic hearing loss 4 (DFNB4). Also called: Deafness, autosomal recessive 4; DEAFNESS, AUTOSOMAL RECESSIVE 4, WITH ENLARGED VESTIBULAR AQUEDUCT, DIGENIC; Enlarged vestibular aqueduct, digenic; Nonsyndromic enlarged vestibular aqueduct (NSEVA); FOXI1-Related Pendred Syndrome; KCNJ10-Related Pendred Syndrome. Identifiers: Orphanet 90636, MedGen C3538946, MONDO:0010933, OMIM 600791.

Allele frequency attached by ClinVar (database versions not stated): TOPMed below 0.00001; gnomAD 0.00001.
gnomAD v4.1: 2 of 1,583,804 alleles (0.00013%); highest among the groups gnomAD compares: Admixed American, 0.0033%; no homozygotes.

Submissions (5):

Natera, Inc.
Classification: Likely pathogenic for Pendred syndrome. Last evaluated: 2025-05-29. Review status: criteria provided, single submitter. Criteria: Natera Variant Classification Schema (03/2026). Collection method: clinical testing. Allele origin: germline.
Comment: The c.1708-1G>A variant in SLC26A4 is a canonical splice acceptor site variant predicted to affect pre-mRNA splicing, which may result in an abnormal transcript and altered protein product. This variant is expected to result in nonsense mediated decay, truncation, or a dysfunctional protein product. This variant is rare in the general population with a frequency below the threshold expected for the associated phenotype(s). Given the available evidence, this variant is classified as Likely Pathogenic.

PreventionGenetics, part of Exact Sciences
Classification: Likely pathogenic for SLC26A4-related condition. Last evaluated: 2025-01-29. Review status: criteria provided, single submitter. Criteria: ACMG Guidelines, 2015. Collection method: clinical testing. Allele origin: germline.
Comment: The SLC26A4 c.1708-1G>A variant is predicted to disrupt the AG splice acceptor site and interfere with normal splicing. This variant has been reported in an individual with hearing loss and enlarged vestibular aqueduct (EVA) along with second loss of function variant in SLC26A4 gene (Cengiz et al. 2017. PubMed ID: 28964290). This variant has not been reported in a large population database (gnomAD), indicating this variant is rare. Variants that disrupt the consensus splice acceptor site in SLC26A4 are expected to be pathogenic. This variant is interpreted as likely pathogenic.

Baylor Genetics
Classification: Likely pathogenic for Autosomal recessive nonsyndromic hearing loss 4. Last evaluated: 2024-03-25. Review status: criteria provided, single submitter. Criteria: ACMG Guidelines, 2015. Collection method: clinical testing. Allele origin: unknown.

Labcorp Genetics (formerly Invitae), Labcorp
Classification: Pathogenic. Last evaluated: 2024-02-20. Review status: criteria provided, single submitter. Criteria: Invitae Variant Classification Sherloc (09022015). Collection method: clinical testing. Allele origin: germline.
Comment: This sequence change affects an acceptor splice site in intron 15 of the SLC26A4 gene. It is expected to disrupt RNA splicing. Variants that disrupt the donor or acceptor splice site typically lead to a loss of protein function (PMID: 16199547), and loss-of-function variants in SLC26A4 are known to be pathogenic (PMID: 16283880, 25394566, 26252218, 26445815). This variant is not present in population databases (gnomAD no frequency). Disruption of this splice site has been observed in individuals with clinical features of Pendred syndrome (PMID: 28964290; Invitae). ClinVar contains an entry for this variant (Variation ID: 591061). Algorithms developed to predict the effect of sequence changes on RNA splicing suggest that this variant may disrupt the consensus splice site. For these reasons, this variant has been classified as Pathogenic.

Gharavi Laboratory, Columbia University
Classification: Uncertain significance. Last evaluated: 2018-09-16. Review status: flagged submission. Criteria: ACMG Guidelines, 2015. Collection method: research. Allele origin: germline. Affected: yes. Not counted in ClinVar's aggregate classification.
ClinVar note: Reason: Older claim that does not account for recent evidence

Literature cited by the submitters: PubMed 16199547 (cited by Labcorp Genetics (formerly Invitae), Labcorp); PubMed 16283880 (cited by Labcorp Genetics (formerly Invitae), Labcorp); PubMed 25394566 (cited by Labcorp Genetics (formerly Invitae), Labcorp); PubMed 26252218 (cited by Labcorp Genetics (formerly Invitae), Labcorp); PubMed 26445815 (cited by Labcorp Genetics (formerly Invitae), Labcorp); PubMed 28964290 (cited by Labcorp Genetics (formerly Invitae), Labcorp).